The following is an entry in ClinVar:

NC_000011.10:g.47333189C>T

Gene: MYBPC3 (myosin binding protein C3; minus strand). Cytogenetic location: 11p11.2.
Variant type: single nucleotide variant.
Genome position: GRCh38 VCF-style: chr11-47333189-C-T. GRCh37 (hg19) VCF-style: chr11-47354740-C-T.
Other names: IVS, G-C, +5; c.3330+5G>A (LRG_386t1, NM_000256.3).
Identifiers: ClinVar variation 8602 (VCV000008602.16), dbSNP rs373746463, ClinGen allele CA013957.

ClinVar aggregate classification (germline): Conflicting classifications of pathogenicity. Review status: criteria provided, conflicting classifications (1 of 4 stars). 6 submissions from 6 submitters: Pathogenic (3); Uncertain significance (2). 1 of the submissions does not count toward it. Last evaluated 2026-01-02.

Conditions:
Cardiovascular phenotype. Identifiers: MedGen CN230736.
Hypertrophic cardiomyopathy 4. Also called: Familial hypertrophic cardiomyopathy 4. Identifiers: MedGen C1861862, MONDO:0007268, OMIM 115197.
Left ventricular noncompaction 10 (LVNC10). Identifiers: Orphanet 154, Orphanet 54260, MedGen C3715165, MONDO:0014163, OMIM 615396.
Hypertrophic cardiomyopathy. Also called: HYPERTROPHIC MYOCARDIOPATHY. Identifiers: Orphanet 217569, MedGen C0007194, MeSH D002312, MONDO:0005045, HP:0001639.

Allele frequency attached by ClinVar (database versions not stated): TOPMed 0.00002.
gnomAD v4.1: 3 of 1,601,506 alleles (0.00019%); highest among the groups gnomAD compares: South Asian, 0.0011%; no homozygotes.

Submissions (6):

Dasa
Classification: Pathogenic. Last evaluated: 2026-01-02. Review status: criteria provided, single submitter. Criteria: DASA Assertion Criteria. Collection method: clinical testing. Allele origin: germline.
Comment: NM_000256.3(MYBPC3):c.3330+5G>A is a splice-region variant predicted to affect normal RNA splicing. This variant results in the same amino acid change as a previously established pathogenic variant. This variant has been recurrently observed in individuals with related phenotype (PMID: 25132132; PMID: 31006259). The variant is present at low frequency in population datasets. Based on the available data, this variant is classified as pathogenic.

Labcorp Genetics (formerly Invitae), Labcorp
Classification: Pathogenic for Hypertrophic cardiomyopathy. Last evaluated: 2025-12-12. Review status: criteria provided, single submitter. Criteria: Invitae Variant Classification Sherloc (09022015). Collection method: clinical testing. Allele origin: germline.
Comment: This sequence change falls in intron 30 of the MYBPC3 gene. It does not directly change the encoded amino acid sequence of the MYBPC3 protein. It affects a nucleotide within the consensus splice site. The frequency data for this variant in the population databases is considered unreliable, as metrics indicate poor data quality at this position in the gnomAD database. This variant has been observed in individuals with hypertrophic cardiomyopathy (PMID: 25132132). ClinVar contains an entry for this variant (Variation ID: 8602). Variants that disrupt the consensus splice site are a relatively common cause of aberrant splicing (PMID: 17576681, 9536098). Studies have shown that this variant alters mRNA splicing and is expected to lead to the loss of protein expression (PMID: 28679633). This variant disrupts the c.3330+5G nucleotide in the MYBPC3 gene. Other variant(s) that disrupt this nucleotide have been determined to be pathogenic (PMID: 2921289, 7493025, 25611685, 28679633, 29121657). This suggests that this nucleotide is clinically significant, and that variants that disrupt this position are likely to be disease-causing. For these reasons, this variant has been classified as Pathogenic.

Ambry Genetics
Classification: Uncertain significance for Cardiovascular phenotype. Last evaluated: 2023-03-23. Review status: criteria provided, single submitter. Criteria: Ambry Variant Classification Scheme 2023. Collection method: clinical testing. Allele origin: germline.
Comment: The c.3330+5G>A intronic variant results from a G to A substitution 5 nucleotides after coding exon 30 in the MYBPC3 gene. This variant has been reported in individuals with hypertrophic cardiomyopathy (HCM), at least some of whom had additional variants in MYBPC3 and other cardiomyopathy-related genes (Wang J et al. Eur J Heart Fail. 2014;16(9):950-7; Norrish G et al. Circulation, 2019 07;140:184-192). Limited minigene assays demonstrated the creation of some abnormal RNA splicing transcripts (Ito K et al. Proc. Natl. Acad. Sci. U.S.A., 2017 07;114:7689-7694). This nucleotide position is highly conserved in available vertebrate species. In silico splice site analysis for this alteration is inconclusive. Since supporting evidence is limited at this time, the clinical significance of this variant remains unclear.

GeneDx
Classification: Pathogenic. Last evaluated: 2018-03-22. Review status: criteria provided, single submitter. Criteria: GeneDx Variant Classification (06012015). Collection method: clinical testing. Allele origin: germline. Affected: yes.
Comment: The c.3330+5 G>A pathogenic variant has been reported in two individuals with hypertrophic cardiomyopathy (HCM) and was absent from 307 control individuals; however, no additional clinical information or segregation analysis was provided (Wang et al., 2014). In addition, the c.3330+5 G>A variant was not observed in approximately 6,200 individuals of European and African American ancestry in the NHLBI Exome Sequencing Project, indicating it is not a common benign variant in these populations. This variant destroys the canonical splice donor site in intron 30 and is predicted to cause abnormal gene splicing. This variant is predicted to lead to either an abnormal message that is subject to nonsense-mediated mRNA decay, or to an abnormal protein product if the message is used for protein translation. Multiple other downstream splice site variants in the MYBPC3 gene have been reported in HGMD in association with cardiomyopathy (Stenson P et al., 2014). Furthermore, another pathogenic variant affecting the same splice donor site (c.3330+5 G>C) has previously been reported multiple times in association with HCM and was reported to to segregate with disease in one large family with HCM (Watkins et al., 1995; Alhaj et al., 2013; Nunez et al., 2013; Captur et al., 2014; Lopes et al., 2015). Watkins et al. (1995) also demonstrated that the c.3330+5 G>C variant leads to an aberrant splice transcript due to skipping of exon 30, a shift in the reading frame, and premature termination of translation in exon 31.

Juno Genomics, Hangzhou Juno Genomics, Inc
Classification: Uncertain significance for Left ventricular noncompaction 10; Hypertrophic cardiomyopathy 4. Review status: criteria provided, single submitter. Criteria: ACMG Guidelines, 2015. Collection method: clinical testing. Allele origin: germline. Affected: yes.
Comment: Absent from controls (or at extremely low frequency if recessive) in Genome Aggregation Database.;The prevalence of the variant in affected individuals is significantly increased compared to the prevalence in controls.

OMIM
Classification: Pathogenic for CARDIOMYOPATHY, FAMILIAL HYPERTROPHIC, 4. Last evaluated: 1995-12-01. Review status: no assertion criteria provided. Collection method: literature only. Allele origin: germline. Not counted in ClinVar's aggregate classification.

Literature cited by the submitters: PubMed 25132132 (cited by 3 submitters); PubMed 31006259 (cited by Dasa and Ambry Genetics); PubMed 17576681 (cited by Labcorp Genetics (formerly Invitae), Labcorp); PubMed 9536098 (cited by Labcorp Genetics (formerly Invitae), Labcorp); PubMed 28679633 (cited by Labcorp Genetics (formerly Invitae), Labcorp and Ambry Genetics); PubMed 2921289 (cited by Labcorp Genetics (formerly Invitae), Labcorp); PubMed 7493025 (cited by 3 submitters); PubMed 25611685 (cited by Labcorp Genetics (formerly Invitae), Labcorp); PubMed 29121657 (cited by Labcorp Genetics (formerly Invitae), Labcorp).